The following is an entry in ClinVar:

ClinVar aggregate classification (germline): Uncertain significance (1 of 4 stars; one submission).

Submission:

GeneDx
Classification: Uncertain significance. Last evaluated: 2025-01-09. Review status: criteria provided, single submitter. Criteria: GeneDx Variant Classification Process June 2021. Collection method: clinical testing. Allele origin: germline. Affected: yes.
Comment: Not observed at significant frequency in large population cohorts (gnomAD); In silico analysis supports that this missense variant has a deleterious effect on protein structure/function; Has not been previously published as pathogenic or benign to our knowledge

NC_000023.11:g.119871360C>A

Genes: RNF113A (ring finger protein 113A; minus strand), NDUFA1 (NADH:ubiquinone oxidoreductase subunit A1; plus strand). Cytogenetic location: Xq24.
Variant type: single nucleotide variant.
Molecular consequence: missense variant (on NM_006978.3).
Genome position: GRCh38 VCF-style: chrX-119871360-C-A. GRCh37 (hg19) VCF-style: chrX-119005323-C-A.
Other names: c.254G>T, p.Ser85Ile (NM_006978.3); short protein forms S85I.
Identifiers: ClinVar variation 4070672 (VCV004070672.1).